The following is an entry in ClinVar:

NM_006015.6(ARID1A):c.4685C>T (p.Pro1562Leu)

Gene: ARID1A (AT-rich interaction domain 1A; plus strand). Cytogenetic location: 1p36.11.
Variant type: single nucleotide variant.
Coding change: c.4685C>T on transcript NM_006015.6 (MANE Select); coding-DNA position 4685, C replaced by T.
Protein change: p.Pro1562Leu; replaces proline 1562 with leucine.
Molecular consequence: missense variant. On other transcripts: intron variant (1).
Genome position (GRCh38, 1-based): chr1:26,774,912, C>T. VCF-style: chr1-26774912-C-T. GRCh37 (hg19) VCF-style: chr1-27101403-C-T.
Other names: c.4102-68C>T (NM_139135.4); short protein forms P1562L.
Identifiers: ClinVar variation 2114894 (VCV002114894.4), dbSNP rs2081119486, ClinGen allele CA339177645.

ClinVar aggregate classification (germline): Uncertain significance (1 of 4 stars; one submission).

Allele frequency attached by ClinVar (database versions not stated): TOPMed below 0.00001.

Submission:

Labcorp Genetics (formerly Invitae), Labcorp
Classification: Uncertain significance. Last evaluated: 2024-02-24. Review status: criteria provided, single submitter. Criteria: Invitae Variant Classification Sherloc (09022015). Collection method: clinical testing. Allele origin: germline.
Comment: This sequence change replaces proline, which is neutral and non-polar, with leucine, which is neutral and non-polar, at codon 1562 of the ARID1A protein (p.Pro1562Leu). This variant is not present in population databases (gnomAD no frequency). This variant has not been reported in the literature in individuals affected with ARID1A-related conditions. ClinVar contains an entry for this variant (Variation ID: 2114894). Advanced modeling of protein sequence and biophysical properties (such as structural, functional, and spatial information, amino acid conservation, physicochemical variation, residue mobility, and thermodynamic stability) has been performed at Invitae for this missense variant, however the output from this modeling did not meet the statistical confidence thresholds required to predict the impact of this variant on ARID1A protein function. In summary, the available evidence is currently insufficient to determine the role of this variant in disease. Therefore, it has been classified as a Variant of Uncertain Significance.